The following is an entry in ClinVar:

NM_001330700.2(TOP2B):c.4145C>A (p.Ala1382Asp)

Gene: TOP2B (DNA topoisomerase II beta; minus strand). Cytogenetic location: 3p24.2.
Variant type: single nucleotide variant.
Coding change: c.4145C>A on transcript NM_001330700.2 (MANE Select); coding-DNA position 4145, C replaced by A.
Protein change: p.Ala1382Asp; replaces alanine 1382 with aspartic acid.
Molecular consequence: missense variant.
Genome position (GRCh38, 1-based): chr3:25,607,324, G>T on the plus strand (C>A on the coding strand, the complement: TOP2B is on the minus strand). VCF-style: chr3-25607324-G-T. GRCh37 (hg19) VCF-style: chr3-25648815-G-T.
Other names: c.4130C>A, p.Ala1377Asp (NM_001068.3); short protein forms A1382D, A1377D.
Identifiers: ClinVar variation 1979487 (VCV001979487.5), dbSNP rs1307919022, ClinGen allele CA351892717.

ClinVar aggregate classification (germline): Conflicting classifications of pathogenicity. Review status: criteria provided, conflicting classifications (1 of 4 stars). 3 submissions from 3 submitters: Uncertain significance (2); Likely benign (1). Last evaluated 2024-07-25.

Allele frequency attached by ClinVar (database versions not stated): gnomAD exomes 0.00002; gnomAD 0.00003; TOPMed 0.00003.
gnomAD v4.1: 36 of 1,551,778 alleles (0.0023%); highest among the groups gnomAD compares: Admixed American, 0.0098%; no homozygotes.

Submissions (3):

Labcorp Genetics (formerly Invitae), Labcorp
Classification: Uncertain significance. Last evaluated: 2024-07-25. Review status: criteria provided, single submitter. Criteria: Invitae Variant Classification Sherloc (09022015). Collection method: clinical testing. Allele origin: germline.
Comment: This sequence change replaces alanine, which is neutral and non-polar, with aspartic acid, which is acidic and polar, at codon 1377 of the TOP2B protein (p.Ala1377Asp). This variant is present in population databases (no rsID available, gnomAD 0.005%). This variant has not been reported in the literature in individuals affected with TOP2B-related conditions. ClinVar contains an entry for this variant (Variation ID: 1979487). An algorithm developed to predict the effect of missense changes on protein structure and function (PolyPhen-2) suggests that this variant¬†is likely to be tolerated. In summary, the available evidence is currently insufficient to determine the role of this variant in disease. Therefore, it has been classified as a Variant of Uncertain Significance.

Blueprint Genetics
Classification: Likely benign. Last evaluated: 2024-03-08. Review status: criteria provided, single submitter. Criteria: ACMG Guidelines, 2015. Collection method: clinical testing. Allele origin: germline.

Ambry Genetics
Classification: Uncertain significance. Last evaluated: 2021-10-05. Review status: criteria provided, single submitter. Criteria: Ambry Variant Classification Scheme 2023. Collection method: clinical testing. Allele origin: germline.